The following is an entry in ClinVar:

NM_001040108.2(MLH3):c.2229_2230delinsAC (p.Lys744Gln)

Gene: MLH3 (mutL homolog 3; minus strand). Cytogenetic location: 14q24.3.
Variant type: Indel.
Coding change: c.2229_2230delinsAC on transcript NM_001040108.2 (MANE Select); coding-DNA positions 2229 to 2230, GA replaced by AC.
Protein change: p.Lys744Gln; replaces lysine 744 with glutamine.
Molecular consequence: missense variant.
Genome position (GRCh38, 1-based): chr14:75,047,426-75,047,427, TC replaced by GT on the plus strand (GA replaced by AC on the coding strand, the reverse complement: MLH3 is on the minus strand). VCF-style: chr14-75047426-TC-GT. GRCh37 (hg19) VCF-style: chr14-75514129-TC-GT.
Other names: c.2229_2230delinsAC, p.Lys744Gln (NM_014381.3); short protein forms K744Q.
Identifiers: ClinVar variation 3725628 (VCV003725628.2).
Genomic context (GRCh38, chr14:75,047,426, plus strand): 5'-CCTTCCCATATTGCCTCTTAAACTTCTCTAAAGATCCTAGCTGTGAACTCAAGCTTAGCT[TC>GT]TTACGGACGATTGGTTTGGAGAAACCAATTAATTTATCTGTTTTCCTACTATCATTGGAA-3'
Protein context (NP_001035197.1, residues 734-754): IGFSKPIVRK[Lys744Gln]LSLSSQLGSL

ClinVar aggregate classification (germline): Uncertain significance (1 of 4 stars; one submission).

Conditions:
Colorectal cancer, hereditary nonpolyposis, type 7. Identifiers: Orphanet 144, MedGen C1858380, MONDO:0013725, OMIM 614385.

Submission:

Labcorp Genetics (formerly Invitae), Labcorp
Classification: Uncertain significance for Colorectal cancer, hereditary nonpolyposis, type 7. Last evaluated: 2024-11-19. Review status: criteria provided, single submitter. Criteria: Invitae Variant Classification Sherloc (09022015). Collection method: clinical testing. Allele origin: germline.
Comment: This sequence change replaces lysine, which is basic and polar, with glutamine, which is neutral and polar, at codon 744 of the MLH3 protein (p.Lys744Gln). Information on the frequency of this variant in the gnomAD database is not available, as this variant may be reported differently in the database. This variant has not been reported in the literature in individuals affected with MLH3-related conditions. Experimental studies and prediction algorithms are not available or were not evaluated, and the functional significance of this variant is currently unknown. In summary, the available evidence is currently insufficient to determine the role of this variant in disease. Therefore, it has been classified as a Variant of Uncertain Significance.